The following is an entry in ClinVar:

NM_025233.7(COASY):c.161A>C (p.Gln54Pro)

Gene: COASY (Coenzyme A synthase; plus strand). Cytogenetic location: 17q21.2.
Variant type: single nucleotide variant.
Coding change: c.161A>C on transcript NM_025233.7 (MANE Select); coding-DNA position 161, A replaced by C.
Protein change: p.Gln54Pro; replaces glutamine 54 with proline.
Molecular consequence: missense variant.
Genome position (GRCh38, 1-based): chr17:42,562,783, A>C. VCF-style: chr17-42562783-A-C. GRCh37 (hg19) VCF-style: chr17-40714801-A-C.
Other names: c.161A>C, p.Gln54Pro (NM_001042529.3); c.248A>C, p.Gln83Pro (NM_001042532.4); c.248A>C (NM_001042532.2); short protein forms Q54P, Q83P.
Identifiers: ClinVar variation 647871 (VCV000647871.8), dbSNP rs1597712184, ClinGen allele CA399616858.

ClinVar aggregate classification (germline): Uncertain significance. Review status: criteria provided, multiple submitters, no conflicts (2 of 4 stars). 2 submissions from 2 submitters: Uncertain significance (2). Last evaluated 2021-11-22.

Conditions:
Neurodegeneration with brain iron accumulation 6 (NBIA6). Also called: COASY protein-associated neurodegeneration. Identifiers: Orphanet 397725, MedGen C4517377, MONDO:0014290, OMIM 615643.

Submissions (2):

Ambry Genetics
Classification: Uncertain significance. Last evaluated: 2021-11-22. Review status: criteria provided, single submitter. Criteria: Ambry Variant Classification Scheme 2023. Collection method: clinical testing. Allele origin: germline.

Labcorp Genetics (formerly Invitae), Labcorp
Classification: Uncertain significance for Neurodegeneration with brain iron accumulation 6. Last evaluated: 2021-08-24. Review status: criteria provided, single submitter. Criteria: Invitae Variant Classification Sherloc (09022015). Collection method: clinical testing. Allele origin: germline.
Comment: This sequence change replaces glutamine with proline at codon 54 of the COASY protein (p.Gln54Pro). The glutamine residue is weakly conserved and there is a moderate physicochemical difference between glutamine and proline. This variant is not present in population databases (ExAC no frequency). This variant has not been reported in the literature in individuals affected with COASY-related conditions. Algorithms developed to predict the effect of missense changes on protein structure and function (SIFT, PolyPhen-2, Align-GVGD) all suggest that this variant is likely to be tolerated. In summary, the available evidence is currently insufficient to determine the role of this variant in disease. Therefore, it has been classified as a Variant of Uncertain Significance.